The following is an entry in ClinVar:

NM_001429.4(EP300):c.1956A>G (p.Leu652=)

Gene: EP300 (EP300 lysine acetyltransferase; plus strand). Cytogenetic location: 22q13.2.
Variant type: single nucleotide variant.
Coding change: c.1956A>G on transcript NM_001429.4 (MANE Select); coding-DNA position 1956, A replaced by G.
Protein change: p.Leu652=; no amino-acid change (leucine 652 retained).
Molecular consequence: synonymous variant.
Genome position (GRCh38, 1-based): chr22:41,141,125, A>G. VCF-style: chr22-41141125-A-G. GRCh37 (hg19) VCF-style: chr22-41537129-A-G.
Other names: c.1956A>G, p.Leu652= (NM_001362843.2).
Identifiers: ClinVar variation 4979679 (VCV004979679.1).

ClinVar aggregate classification (germline): Likely benign (1 of 4 stars; one submission).

Conditions:
EP300-related disorder. Also called: EP300-related condition; EP300-related disorders.

gnomAD v4.1: 6 of 1,614,216 alleles (0.00037%); highest among the groups gnomAD compares: Middle Eastern, 0.016%; no homozygotes.

Submission:

PreventionGenetics, part of Exact Sciences
Classification: Likely benign for EP300-related condition. Last evaluated: 2026-08-13. Review status: criteria provided, single submitter. Criteria: ACMG Guidelines, 2015. Collection method: clinical testing. Allele origin: germline.
Comment: This variant is classified as likely benign based on ACMG/AMP sequence variant interpretation guidelines (Richards et al. 2015 PMID: 25741868, with internal and published modifications).